The following is an entry in ClinVar:

ClinVar aggregate classification (germline): Uncertain significance. Review status: criteria provided, multiple submitters, no conflicts (2 of 4 stars). 2 submissions from 2 submitters: Uncertain significance (2). Last evaluated 2024-09-08.

Conditions:
Inborn genetic diseases. Identifiers: MedGen C0950123, MeSH D030342.

Allele frequency attached by ClinVar (database versions not stated): TOPMed 0.00008.
gnomAD v4.1: 147 of 1,611,382 alleles (0.0091%); highest among the groups gnomAD compares: Non-Finnish European, 0.011%; no homozygotes.

Submissions (2):

Ambry Genetics
Classification: Uncertain significance for Inborn genetic diseases. Last evaluated: 2024-09-08. Review status: criteria provided, single submitter. Criteria: Ambry Variant Classification Scheme 2023. Collection method: clinical testing. Allele origin: germline.

Labcorp Genetics (formerly Invitae), Labcorp
Classification: Uncertain significance. Last evaluated: 2021-08-27. Review status: criteria provided, single submitter. Criteria: Invitae Variant Classification Sherloc (09022015). Collection method: clinical testing. Allele origin: germline.
Comment: This sequence change replaces glutamic acid with lysine at codon 1132 of the OBSL1 protein (p.Glu1132Lys). The glutamic acid residue is moderately conserved and there is a small physicochemical difference between glutamic acid and lysine. This variant is present in population databases (rs746067378, ExAC 0.01%). This variant has not been reported in the literature in individuals affected with OBSL1-related conditions. Algorithms developed to predict the effect of missense changes on protein structure and function output the following: SIFT: "Tolerated"; PolyPhen-2: "Benign"; Align-GVGD: "Class C0". The lysine amino acid residue is found in multiple mammalian species, which suggests that this missense change does not adversely affect protein function. In summary, the available evidence is currently insufficient to determine the role of this variant in disease. Therefore, it has been classified as a Variant of Uncertain Significance.

NM_015311.3(OBSL1):c.3394G>A (p.Glu1132Lys)

Gene: OBSL1 (obscurin like cytoskeletal adaptor 1; minus strand). Cytogenetic location: 2q35.
Variant type: single nucleotide variant.
Coding change: c.3394G>A on transcript NM_015311.3 (MANE Select); coding-DNA position 3394, G replaced by A.
Protein change: p.Glu1132Lys; replaces glutamic acid 1132 with lysine.
Molecular consequence: missense variant.
Genome position (GRCh38, 1-based): chr2:219,558,292, C>T on the plus strand (G>A on the coding strand, the complement: OBSL1 is on the minus strand). VCF-style: chr2-219558292-C-T. GRCh37 (hg19) VCF-style: chr2-220423014-C-T.
Other names: c.3394G>A, p.Glu1132Lys (NM_001173431.2); c.3394G>A (NM_015311.2); short protein forms E1132K.
Identifiers: ClinVar variation 1022432 (VCV001022432.7), dbSNP rs746067378, ClinGen allele CA2130881.